The following is an entry in ClinVar:

ClinVar aggregate classification (germline): Likely pathogenic (1 of 4 stars; one submission).

Conditions:
Nemaline myopathy 2 (NEM2). Also called: Nemaline myopathy 2, autosomal recessive. Identifiers: MedGen C1850569, MONDO:0009725, OMIM 256030.
Arthrogryposis multiplex congenita 6. Identifiers: MedGen C5543431, MONDO:0030281, OMIM 619334.

Submission:

Molecular Genetics Department, Kulakov National Medical Research Center for Obstetrics, Gynecology and Perinatology
Classification: Likely pathogenic for Nemaline myopathy 2; Arthrogryposis multiplex congenita 6. Review status: criteria provided, single submitter. Criteria: ACMG Guidelines, 2015. Collection method: clinical testing. Allele origin: germline. Affected: yes. Observed: 1 variant allele.
Comment: A previously undescribed heterozygous nucleotide variant creates a frameshift p.Glu778Ter in the NEB gene. Homozygous and compound heterozygous variants are reported in patients with arthrogryposis multiplex congenita 6, 619334; Nemaline myopathy 2, autosomal recessive, 256030. The variant is not present in population database (gnomAD no frequency). The variant is found in trans-position with the NEB variant (NM_001164508:c.8516G>A). In summary, the currently available evidence indicates that the variant is pathogenic, but additional data are needed to prove that conclusively. Therefore, this variant has been classified as likely pathogenic.

NM_001164508.2(NEB):c.2331dup (p.Glu778Ter)

Gene: NEB (nebulin; minus strand). Cytogenetic location: 2q23.3.
Variant type: Duplication.
Coding change: c.2331dup on transcript NM_001164508.2 (MANE Select); coding-DNA position 2331, one base duplicated (T; older notation c.2331dupT).
Protein change: p.Glu778Ter; replaces glutamic acid 778 with a stop codon.
Molecular consequence: nonsense.
Genome position (GRCh38, 1-based): chr2:151,688,376, A duplicated on the plus strand (T on the coding strand, the reverse complement: NEB is on the minus strand). VCF-style (leftmost placement, unchanged base first): chr2-151688375-C-CA. GRCh37 (hg19) VCF-style: chr2-152544889-C-CA.
Other names: c.2331dup, p.Glu778Ter (NM_001164507.2, NM_001271208.2, NM_004543.5); short protein forms E778*.
Identifiers: ClinVar variation 4294513 (VCV004294513.1).